The following is an entry in ClinVar:

ClinVar aggregate classification (germline): Conflicting classifications of pathogenicity. Review status: criteria provided, conflicting classifications (1 of 4 stars). 4 submissions from 3 submitters: Likely pathogenic (1); Uncertain significance (1). 2 of the submissions do not count toward it. Last evaluated 2025-04-03.

Conditions:
Spastic paraplegia 93, autosomal recessive. Identifiers: MedGen C5975375, MONDO:0975796, OMIM 620938.
Multiple mitochondrial dysfunctions syndrome 1 (MMDS1). Identifiers: Orphanet 401869, MedGen C3276432, MONDO:0011582, OMIM 605711.

Allele frequency attached by ClinVar (database versions not stated): gnomAD 0.00003 and 0.00004; gnomAD exomes 0.00006 and 0.00008; TOPMed 0.00005; ExAC 0.00006.
gnomAD v4.1: 126 of 1,613,964 alleles (0.0078%); highest among the groups gnomAD compares: Non-Finnish European, 0.01%; no homozygotes.

Submissions (4):

GeneDx
Classification: Likely pathogenic. Last evaluated: 2025-04-03. Review status: criteria provided, single submitter. Criteria: GeneDx Variant Classification Process June 2021. Collection method: clinical testing. Allele origin: germline. Affected: yes.
Comment: In silico analysis supports that this missense variant has a deleterious effect on protein structure/function; Not observed at significant frequency in large population cohorts (gnomAD); This variant is associated with the following publications: (PMID: 25477904, 34426522, 36256512, 34449775, 36358004, 35883565, 28803783)

Labcorp Genetics (formerly Invitae), Labcorp
Classification: Uncertain significance for Multiple mitochondrial dysfunctions syndrome 1. Last evaluated: 2024-10-08. Review status: criteria provided, single submitter. Criteria: Invitae Variant Classification Sherloc (09022015). Collection method: clinical testing. Allele origin: germline.
Comment: This sequence change replaces cysteine, which is neutral and slightly polar, with phenylalanine, which is neutral and non-polar, at codon 210 of the NFU1 protein (p.Cys210Phe). This variant is present in population databases (rs201634470, gnomAD 0.01%). This missense change has been observed in individual(s) with multiple mitochondrial dysfunctions syndrome (PMID: 25477904, 28803783, 36256512). ClinVar contains an entry for this variant (Variation ID: 336888). Invitae Evidence Modeling of protein sequence and biophysical properties (such as structural, functional, and spatial information, amino acid conservation, physicochemical variation, residue mobility, and thermodynamic stability) indicates that this missense variant is expected to disrupt NFU1 protein function with a positive predictive value of 80%. Studies have shown that this missense change alters NFU1 gene expression (PMID: 28803783). In summary, the available evidence is currently insufficient to determine the role of this variant in disease. Therefore, it has been classified as a Variant of Uncertain Significance.

OMIM
Classification: Pathogenic for SPASTIC PARAPLEGIA 93, AUTOSOMAL RECESSIVE. Last evaluated: 2024-09-09. Review status: no assertion criteria provided. Collection method: literature only. Allele origin: germline. Not counted in ClinVar's aggregate classification.

OMIM
Classification: Pathogenic for MULTIPLE MITOCHONDRIAL DYSFUNCTIONS SYNDROME 1. Last evaluated: 2024-09-09. Review status: no assertion criteria provided. Collection method: literature only. Allele origin: germline. Not counted in ClinVar's aggregate classification.

Literature cited by the submitters: PubMed 25477904 (cited by Labcorp Genetics (formerly Invitae), Labcorp and OMIM); PubMed 28803783 (cited by Labcorp Genetics (formerly Invitae), Labcorp); PubMed 36256512 (cited by Labcorp Genetics (formerly Invitae), Labcorp and OMIM).

NM_001002755.4(NFU1):c.629G>T (p.Cys210Phe)

Gene: NFU1 (NFU1 iron-sulfur cluster scaffold; minus strand). Cytogenetic location: 2p13.3.
Variant type: single nucleotide variant.
Coding change: c.629G>T on transcript NM_001002755.4 (MANE Select); coding-DNA position 629, G replaced by T.
Protein change: p.Cys210Phe; replaces cysteine 210 with phenylalanine.
Molecular consequence: missense variant. On other transcripts: non-coding transcript variant (1).
Genome position (GRCh38, 1-based): chr2:69,400,455, C>A on the plus strand (G>T on the coding strand, the complement: NFU1 is on the minus strand). VCF-style: chr2-69400455-C-A. GRCh37 (hg19) VCF-style: chr2-69627587-C-A.
Other names: c.206G>T, p.Cys69Phe (NM_001002756.2); c.557G>T, p.Cys186Phe (NM_001374284.1, NM_015700.4); short protein forms C210F, C186F, C69F.
Identifiers: ClinVar variation 336888 (VCV000336888.15), dbSNP rs201634470, ClinGen allele CA1694108.
Genomic context (GRCh38, chr2:69,400,455, plus strand): 5'-AACTGCAGCATGTTCTGAATTCCATTTTTCAGAGTAATGATTGAACTAGGGCAGCTGGTA[C>A]AAGAACCCTGGAGTTTCAGCTGTACAATGCCATCTTCAAAGCCTTTGTAGATTACATCCC-3'
Protein context (NP_001002755.1, residues 200-220): GIVQLKLQGS[Cys210Phe]TSCPSSIITL